The following is an entry in ClinVar:

NM_022552.5(DNMT3A):c.1095C>A (p.Tyr365Ter)

Gene: DNMT3A (DNA methyltransferase 3 alpha; minus strand). Cytogenetic location: 2p23.3.
Variant type: single nucleotide variant.
Coding change: c.1095C>A on transcript NM_022552.5 (MANE Select); coding-DNA position 1095, C replaced by A.
Protein change: p.Tyr365Ter; replaces tyrosine 365 with a stop codon.
Molecular consequence: nonsense. On other transcripts: non-coding transcript variant (1).
Genome position (GRCh38, 1-based): chr2:25,247,078, G>T on the plus strand (C>A on the coding strand, the complement: DNMT3A is on the minus strand). VCF-style: chr2-25247078-G-T. GRCh37 (hg19) VCF-style: chr2-25469947-G-T.
Other names: c.639C>A, p.Tyr213Ter (NM_001320893.1); c.426C>A, p.Tyr142Ter (NM_001375819.1); c.528C>A, p.Tyr176Ter (NM_153759.3); c.1095C>A, p.Tyr365Ter (NM_175629.2); short protein forms Y142*, Y176*, Y213*, Y365*.
Identifiers: ClinVar variation 4533296 (VCV004533296.1).
Genomic context (GRCh38, chr2:25,247,078, plus strand): 5'-CTCCTCCTCCGAGCTCCCAGCAGGGACACTCACCTGCAGGACCTCGTAGATGGCTTTGCG[G>T]TACATGGGCTGCTTGTTGTACGTGGCCTGGTGGAACGCACTGCAAAACGAGCTCAGCGGC-3'

ClinVar aggregate classification (germline): Pathogenic (1 of 4 stars; one submission).

Conditions:
Acute myeloid leukemia (AML). Also called: Acute myeloid leukemia, adult; AML adult; Acute non-lymphocytic leukemia; Acute granulocytic leukemia; Leukemia, acute myeloid, somatic; Leukemia, acute myelogenous, somatic. Identifiers: Orphanet 519, MedGen C0023467, MeSH D015470, MONDO:0018874, OMIM 601626, HP:0004808. Disease mechanism: Constitutively activated FLT3.

Submission:

Institute of Human Genetics, University of Leipzig Medical Center
Classification: Pathogenic for Acute myeloid leukemia. Last evaluated: 2025-11-24. Review status: criteria provided, single submitter. Criteria: ACMG Guidelines, 2015. Collection method: clinical testing. Allele origin: unknown. Affected: yes.
Comment: Criteria applied: PVS1,PM2